The following is an entry in ClinVar:

ClinVar aggregate classification (germline): Likely pathogenic (1 of 4 stars; one submission).

Conditions:
Mucolipidosis type II. Also called: ML II ALPHA/BETA; Mucolipidosis 2; ML 2; Inclusion cell disease; Leroy Disease; N-acetylglucosamine 1phosphotransferase deficiency. Identifiers: Orphanet 576, MedGen C2673377, MONDO:0009650, OMIM 252500.
Pseudo-Hurler polydystrophy. Also called: ML III; ML III ALPHA/BETA; Mucolipidosis III Alpha/Beta; Type III Mucolipidosis; ML IIIA; MUCOLIPIDOSIS IIIA. Identifiers: Orphanet 423461, Orphanet 577, MedGen C0033788, MONDO:0018931, OMIM 252600.

Allele frequency attached by ClinVar (database versions not stated): gnomAD exomes below 0.00001; ExAC 0.00001.

Submission:

Diagnostics Division, CENTRE FOR DNA FINGERPRINTING AND DIAGNOSTICS
Classification: Likely pathogenic for Mucolipidosis type II; Pseudo-Hurler polydystrophy. Last evaluated: 2016-01-01. Review status: criteria provided, single submitter. Criteria: ACMG Guidelines, 2015. Collection method: research. Allele origin: unknown. Affected: yes. Observed: 1 homozygote.
Comment: Missense variant

NM_024312.5(GNPTAB):c.571G>A (p.Val191Ile)

Gene: GNPTAB (N-acetylglucosamine-1-phosphate transferase subunits alpha and beta; minus strand). Cytogenetic location: 12q23.2.
Variant type: single nucleotide variant.
Coding change: c.571G>A on transcript NM_024312.5 (MANE Select); coding-DNA position 571, G replaced by A.
Protein change: p.Val191Ile; replaces valine 191 with isoleucine.
Molecular consequence: missense variant.
Genome position (GRCh38, 1-based): chr12:101,786,012, C>T on the plus strand (G>A on the coding strand, the complement: GNPTAB is on the minus strand). VCF-style: chr12-101786012-C-T. GRCh37 (hg19) VCF-style: chr12-102179790-C-T.
Other names: short protein forms V191I.
Identifiers: ClinVar variation 397556 (VCV000397556.3), dbSNP rs751953529, ClinGen allele CA6746857.